The following is an entry in ClinVar:

ClinVar aggregate classification (germline): Uncertain significance. Review status: criteria provided, multiple submitters, no conflicts (2 of 4 stars). 2 submissions from 2 submitters: Uncertain significance (2). Last evaluated 2025-07-31.

Conditions:
Hereditary cancer-predisposing syndrome. Also called: Neoplastic Syndromes, Hereditary; Hereditary neoplastic syndrome; Tumor predisposition; Hereditary Cancer Syndrome. Identifiers: Orphanet 140162, MedGen C0027672, MeSH D009386, MONDO:0015356.
Familial cancer of breast. Also called: Hereditary breast cancer; BREAST CANCER, FAMILIAL; hereditary breast carcinoma. Identifiers: Orphanet 227535, MedGen C0346153, MONDO:0016419, OMIM 114480. Disease mechanism: loss of function.
Fanconi anemia complementation group J. Also called: BRIP1-Related Fanconi Anemia. Identifiers: Orphanet 84, MedGen C1836860, MONDO:0012187, OMIM 609054.

Submissions (2):

Labcorp Genetics (formerly Invitae), Labcorp
Classification: Uncertain significance for Familial cancer of breast; Fanconi anemia complementation group J. Last evaluated: 2025-07-31. Review status: criteria provided, single submitter. Criteria: Invitae Variant Classification Sherloc (09022015). Collection method: clinical testing. Allele origin: germline.
Comment: This sequence change replaces leucine, which is neutral and non-polar, with valine, which is neutral and non-polar, at codon 383 of the BRIP1 protein (p.Leu383Val). This variant is not present in population databases (gnomAD no frequency). This variant has not been reported in the literature in individuals affected with BRIP1-related conditions. ClinVar contains an entry for this variant (Variation ID: 660064). Invitae Evidence Modeling of protein sequence and biophysical properties (such as structural, functional, and spatial information, amino acid conservation, physicochemical variation, residue mobility, and thermodynamic stability) indicates that this missense variant is not expected to disrupt BRIP1 protein function with a negative predictive value of 95%. In summary, the available evidence is currently insufficient to determine the role of this variant in disease. Therefore, it has been classified as a Variant of Uncertain Significance.

Ambry Genetics
Classification: Uncertain significance for Hereditary cancer-predisposing syndrome. Last evaluated: 2024-10-17. Review status: criteria provided, single submitter. Criteria: Ambry Variant Classification Scheme 2023. Collection method: clinical testing. Allele origin: germline.
Comment: The p.L383V variant (also known as c.1147T>G), located in coding exon 8 of the BRIP1 gene, results from a T to G substitution at nucleotide position 1147. The leucine at codon 383 is replaced by valine, an amino acid with highly similar properties. This amino acid position is conserved. In addition, this alteration is predicted to be tolerated by in silico analysis. Since supporting evidence is limited at this time, the clinical significance of this alteration remains unclear.

NM_032043.3(BRIP1):c.1147T>G (p.Leu383Val)

Gene: BRIP1 (BRCA1 interacting DNA helicase 1; minus strand). Cytogenetic location: 17q23.2.
Variant type: single nucleotide variant.
Coding change: c.1147T>G on transcript NM_032043.3 (MANE Select); coding-DNA position 1147, T replaced by G.
Protein change: p.Leu383Val; replaces leucine 383 with valine.
Molecular consequence: missense variant.
Genome position (GRCh38, 1-based): chr17:61,799,293, A>C on the plus strand (T>G on the coding strand, the complement: BRIP1 is on the minus strand). VCF-style: chr17-61799293-A-C. GRCh37 (hg19) VCF-style: chr17-59876654-A-C.
Other names: short protein forms L383V.
Identifiers: ClinVar variation 660064 (VCV000660064.15), dbSNP rs1603342360, ClinGen allele CA400483820.